The following is an entry in ClinVar:

ClinVar aggregate classification (germline): Likely benign. Review status: criteria provided, multiple submitters, no conflicts (2 of 4 stars). 4 submissions from 4 submitters: Likely benign (4). Last evaluated 2026-07-01.

Allele frequency attached by ClinVar (database versions not stated): 1000 Genomes Project 0.00060; 1000 Genomes Project 30x 0.00078; TOPMed 0.00090; gnomAD 0.00094 and 0.00096; ESP Exome Variant Server 0.00100; gnomAD exomes 0.00111 and 0.00156; ExAC 0.00131.
gnomAD v4.1: 2,422 of 1,612,722 alleles (0.15%); highest among the groups gnomAD compares: Non-Finnish European, 0.18%; 4 homozygotes.

Submissions (4):

CeGaT Center for Human Genetics Tuebingen
Classification: Likely benign. Last evaluated: 2026-07-01. Review status: criteria provided, single submitter. Criteria: CeGaT Center For Human Genetics Tuebingen Variant Classification Criteria Version 2. Collection method: clinical testing. Allele origin: germline. Affected: yes. Observed: 2 variant alleles.
Comment: PAX1: BP4, BP7

Labcorp Genetics (formerly Invitae), Labcorp
Classification: Likely benign. Last evaluated: 2026-01-28. Review status: criteria provided, single submitter. Criteria: Invitae Variant Classification Sherloc (09022015). Collection method: clinical testing. Allele origin: germline.

Women's Health and Genetics/Laboratory Corporation of America, LabCorp
Classification: Likely benign. Last evaluated: 2026-01-23. Review status: criteria provided, single submitter. Criteria: LabCorp Variant Classification Summary - May 2015. Collection method: clinical testing. Allele origin: germline.

Blueprint Genetics
Classification: Likely benign. Last evaluated: 2024-09-18. Review status: criteria provided, single submitter. Criteria: ACMG Guidelines, 2015. Collection method: clinical testing. Allele origin: germline.

NM_001257096.2(PAX1):c.516C>T (p.Val172=)

Gene: PAX1 (paired box 1; plus strand). Cytogenetic location: 20p11.22.
Variant type: single nucleotide variant.
Coding change: c.516C>T on transcript NM_001257096.2 (MANE Select); coding-DNA position 516, C replaced by T.
Protein change: p.Val172=; no amino-acid change (valine 172 retained).
Molecular consequence: synonymous variant.
Genome position (GRCh38, 1-based): chr20:21,706,667, C>T. VCF-style: chr20-21706667-C-T. GRCh37 (hg19) VCF-style: chr20-21687305-C-T.
Other names: c.516C>T, p.Val172= (NM_006192.5).
Identifiers: ClinVar variation 781750 (VCV000781750.36), dbSNP rs17861030, ClinGen allele CA9786508.